The following is an entry in ClinVar:

ClinVar aggregate classification (germline): Conflicting classifications of pathogenicity. Review status: criteria provided, conflicting classifications (1 of 4 stars). 3 submissions from 3 submitters: Uncertain significance (2); Likely benign (1). Last evaluated 2025-04-29.

Conditions:
Hereditary nonpolyposis colorectal neoplasms. Identifiers: MedGen C0009405, MeSH D003123.
Hereditary cancer-predisposing syndrome. Also called: Neoplastic Syndromes, Hereditary; Tumor predisposition; Hereditary Cancer Syndrome; Hereditary neoplastic syndrome. Identifiers: Orphanet 140162, MedGen C0027672, MeSH D009386, MONDO:0015356.

Allele frequency attached by ClinVar (database versions not stated): gnomAD exomes below 0.00001.

Submissions (3):

Ambry Genetics
Classification: Likely benign for Hereditary cancer-predisposing syndrome. Last evaluated: 2025-04-29. Review status: criteria provided, single submitter. Criteria: Ambry Variant Classification Scheme 2023. Collection method: clinical testing. Allele origin: germline.

Labcorp Genetics (formerly Invitae), Labcorp
Classification: Uncertain significance for Hereditary nonpolyposis colorectal neoplasms. Last evaluated: 2024-06-21. Review status: criteria provided, single submitter. Criteria: Invitae Variant Classification Sherloc (09022015). Collection method: clinical testing. Allele origin: germline.
Comment: This sequence change replaces alanine, which is neutral and non-polar, with valine, which is neutral and non-polar, at codon 636 of the PMS2 protein (p.Ala636Val). This variant is not present in population databases (gnomAD no frequency). This variant has not been reported in the literature in individuals affected with PMS2-related conditions. ClinVar contains an entry for this variant (Variation ID: 925818). Advanced modeling of protein sequence and biophysical properties (such as structural, functional, and spatial information, amino acid conservation, physicochemical variation, residue mobility, and thermodynamic stability) performed at Invitae indicates that this missense variant is not expected to disrupt PMS2 protein function with a negative predictive value of 80%. In summary, the available evidence is currently insufficient to determine the role of this variant in disease. Therefore, it has been classified as a Variant of Uncertain Significance.

Color Diagnostics, LLC DBA Color Health
Classification: Uncertain significance for Hereditary cancer-predisposing syndrome. Last evaluated: 2023-12-05. Review status: criteria provided, single submitter. Criteria: ACMG Guidelines, 2015. Collection method: clinical testing. Allele origin: germline.
Comment: This missense variant replaces alanine with valine at codon 636 of the PMS2 protein. Computational prediction suggests that this variant may not impact protein structure and function (internally defined REVEL score threshold <= 0.5, PMID: 27666373). To our knowledge, functional studies have not been reported for this variant. This variant has not been reported in individuals affected with PMS2-related disorders in the literature. This variant has not been identified in the general population by the Genome Aggregation Database (gnomAD). The available evidence is insufficient to determine the role of this variant in disease conclusively. Therefore, this variant is classified as a Variant of Uncertain Significance.

NM_000535.7(PMS2):c.1907C>T (p.Ala636Val)

Gene: PMS2 (PMS1 homolog 2, mismatch repair system component; minus strand). Cytogenetic location: 7p22.1.
Variant type: single nucleotide variant.
Coding change: c.1907C>T on transcript NM_000535.7 (MANE Select); coding-DNA position 1907, C replaced by T.
Protein change: p.Ala636Val; replaces alanine 636 with valine.
Molecular consequence: missense variant. On other transcripts: non-coding transcript variant (1).
Genome position (GRCh38, 1-based): chr7:5,986,858, G>A on the plus strand (C>T on the coding strand, the complement: PMS2 is on the minus strand). VCF-style: chr7-5986858-G-A. GRCh37 (hg19) VCF-style: chr7-6026489-G-A.
Other names: c.1502C>T, p.Ala501Val (NM_001322003.2, NM_001322004.2, NM_001322005.2 and 1 more transcripts); c.1751C>T, p.Ala584Val (NM_001322006.2); c.1589C>T, p.Ala530Val (NM_001322007.2, NM_001322008.2); c.1346C>T, p.Ala449Val (NM_001322010.2); c.974C>T, p.Ala325Val (NM_001322011.2, NM_001322012.2); c.1334C>T, p.Ala445Val (NM_001322013.2); c.1907C>T, p.Ala636Val (NM_001322014.2); c.1598C>T, p.Ala533Val (NM_001322015.2); and 1 more; short protein forms A449V, A530V, A445V, A325V, A533V, A636V, A501V, A584V.
Identifiers: ClinVar variation 925818 (VCV000925818.9), dbSNP rs1782943354, ClinGen allele CA366739315.